The following is an entry in ClinVar:

ClinVar aggregate classification (germline): Pathogenic (1 of 4 stars; one submission).

Submission:

CeGaT Center for Human Genetics Tuebingen
Classification: Pathogenic. Last evaluated: 2023-08-01. Review status: criteria provided, single submitter. Criteria: CeGaT Center For Human Genetics Tuebingen Variant Classification Criteria Version 2. Collection method: clinical testing. Allele origin: germline. Affected: yes. Observed: 2 variant alleles.
Comment: FANCA: PVS1, PM2, PM3:Supporting

NM_000135.4(FANCA):c.2785del (p.Tyr929fs)

Gene: FANCA (FA complementation group A; minus strand). Cytogenetic location: 16q24.3.
Variant type: Deletion.
Coding change: c.2785del on transcript NM_000135.4 (MANE Select); coding-DNA position 2785, one base deleted (T; older notation c.2785delT).
Protein change: p.Tyr929fs; shifts the reading frame from tyrosine 929.
Molecular consequence: frameshift variant.
Genome position (GRCh38, 1-based): chr16:89,762,016, A deleted on the plus strand (T on the coding strand, the reverse complement: FANCA is on the minus strand); the first of 2 consecutive A bases (chr16:89,762,016-89,762,017); deleting either gives the same sequence. VCF-style (leftmost placement, unchanged base first): chr16-89762015-TA-T. GRCh37 (hg19) VCF-style: chr16-89828423-TA-T.
Other names: c.2785del, p.Tyr929fs (NM_001286167.3); short protein forms Y929fs.
Identifiers: ClinVar variation 2570960 (VCV002570960.27), dbSNP rs2544168188, ClinGen allele CA2580613937.